The following is an entry in ClinVar:

NM_002519.3(NPAT):c.2792C>A (p.Ala931Asp)

Gene: NPAT (nuclear protein, coactivator of histone transcription; minus strand). Cytogenetic location: 11q22.3.
Variant type: single nucleotide variant.
Coding change: c.2792C>A on transcript NM_002519.3 (MANE Select); coding-DNA position 2792, C replaced by A.
Protein change: p.Ala931Asp; replaces alanine 931 with aspartic acid.
Molecular consequence: missense variant.
Genome position (GRCh38, 1-based): chr11:108,170,037, G>T on the plus strand (C>A on the coding strand, the complement: NPAT is on the minus strand). VCF-style: chr11-108170037-G-T. GRCh37 (hg19) VCF-style: chr11-108040764-G-T.
Other names: c.2792C>A, p.Ala931Asp (NM_001321307.1); short protein forms A931D.
Identifiers: ClinVar variation 3407244 (VCV003407244.1).

ClinVar aggregate classification (germline): Uncertain significance (1 of 4 stars; one submission).

Submission:

Ambry Genetics
Classification: Uncertain significance. Last evaluated: 2024-10-18. Review status: criteria provided, single submitter. Criteria: Ambry Variant Classification Scheme 2023. Collection method: clinical testing. Allele origin: germline.
Comment: The p.A931D variant (also known as c.2792C>A), located in coding exon 14 of the NPAT gene, results from a C to A substitution at nucleotide position 2792. The alanine at codon 931 is replaced by aspartic acid, an amino acid with dissimilar properties. This amino acid position is conserved. In addition, the in silico prediction for this alteration is inconclusive. Based on the available evidence, the clinical significance of this variant remains unclear.